The following is an entry in ClinVar:

ClinVar aggregate classification (germline): Uncertain significance. Review status: criteria provided, multiple submitters, no conflicts (2 of 4 stars). 3 submissions from 3 submitters: Uncertain significance (3). Last evaluated 2025-03-08.

Allele frequency attached by ClinVar (database versions not stated): gnomAD exomes below 0.00001.
gnomAD v4.1: 1 of 1,612,964 alleles (0.000062%); highest among the groups gnomAD compares: Non-Finnish European, 0.000085%; no homozygotes.

Submissions (3):

Ambry Genetics
Classification: Uncertain significance. Last evaluated: 2025-03-08. Review status: criteria provided, single submitter. Criteria: Ambry Variant Classification Scheme 2023. Collection method: clinical testing. Allele origin: germline.
Comment: The p.M315V variant (also known as c.943A>G), located in coding exon 9 of the SRP72 gene, results from an A to G substitution at nucleotide position 943. The methionine at codon 315 is replaced by valine, an amino acid with highly similar properties. This amino acid position is conserved. In addition, this alteration is predicted to be deleterious by in silico analysis. Based on the available evidence, the clinical significance of this variant remains unclear.

GeneDx
Classification: Uncertain significance. Last evaluated: 2023-06-06. Review status: criteria provided, single submitter. Criteria: GeneDx Variant Classification Process June 2021. Collection method: clinical testing. Allele origin: germline. Affected: yes.
Comment: Not observed at significant frequency in large population cohorts (gnomAD); In silico analysis supports that this missense variant does not alter protein structure/function; Has not been previously published as pathogenic or benign to our knowledge

Labcorp Genetics (formerly Invitae), Labcorp
Classification: Uncertain significance. Last evaluated: 2023-05-17. Review status: criteria provided, single submitter. Criteria: Invitae Variant Classification Sherloc (09022015). Collection method: clinical testing. Allele origin: germline.
Comment: In summary, the available evidence is currently insufficient to determine the role of this variant in disease. Therefore, it has been classified as a Variant of Uncertain Significance. Advanced modeling of protein sequence and biophysical properties (such as structural, functional, and spatial information, amino acid conservation, physicochemical variation, residue mobility, and thermodynamic stability) performed at Invitae indicates that this missense variant is not expected to disrupt SRP72 protein function. This variant has not been reported in the literature in individuals affected with SRP72-related conditions. This variant is not present in population databases (gnomAD no frequency). This sequence change replaces methionine, which is neutral and non-polar, with valine, which is neutral and non-polar, at codon 315 of the SRP72 protein (p.Met315Val).

NM_006947.4(SRP72):c.943A>G (p.Met315Val)

Gene: SRP72 (signal recognition particle 72; plus strand). Cytogenetic location: 4q12.
Variant type: single nucleotide variant.
Coding change: c.943A>G on transcript NM_006947.4 (MANE Select); coding-DNA position 943, A replaced by G.
Protein change: p.Met315Val; replaces methionine 315 with valine.
Molecular consequence: missense variant. On other transcripts: non-coding transcript variant (1).
Genome position (GRCh38, 1-based): chr4:56,483,256, A>G. VCF-style: chr4-56483256-A-G. GRCh37 (hg19) VCF-style: chr4-57349422-A-G.
Other names: c.760A>G, p.Met254Val (NM_001267722.2); c.943A>G (NM_006947.3); short protein forms M254V, M315V.
Identifiers: ClinVar variation 2996467 (VCV002996467.5), dbSNP rs2545760369, ClinGen allele CA356999452.